The following is an entry in ClinVar:

NM_001035.3(RYR2):c.3245G>C (p.Gly1082Ala)

Gene: RYR2 (ryanodine receptor 2; plus strand). Cytogenetic location: 1q43.
Variant type: single nucleotide variant.
Coding change: c.3245G>C on transcript NM_001035.3 (MANE Select); coding-DNA position 3245, G replaced by C.
Protein change: p.Gly1082Ala; replaces glycine 1082 with alanine.
Molecular consequence: missense variant.
Genome position (GRCh38, 1-based): chr1:237,566,597, G>C. VCF-style: chr1-237566597-G-C. GRCh37 (hg19) VCF-style: chr1-237729897-G-C.
Other names: short protein forms G1082A.
Identifiers: ClinVar variation 4700053 (VCV004700053.1).
Genomic context (GRCh38, chr1:237,566,597, plus strand): 5'-GACCACCAGAAATCTCTGTCCATTTCCCAGCAGCCAGAGCCGAAGTGTGCAGCGGCACCG[G>C]GGAAAGGTTCCGAATCTTCCGTGCCGAGAAGACCTATGCAGTGAAGGCCGGACGGTGGTA-3'
Protein context (NP_001026.2, residues 1072-1092): AARAEVCSGT[Gly1082Ala]ERFRIFRAEK

ClinVar aggregate classification (germline): Uncertain significance (1 of 4 stars; one submission).

Conditions:
Catecholaminergic polymorphic ventricular tachycardia 1. Also called: RYR2-Related Catecholaminergic Polymorphic Ventricular Tachycardia; VENTRICULAR TACHYCARDIA, CATECHOLAMINERGIC POLYMORPHIC, 1, WITH OR WITHOUT ATRIAL DYSFUNCTION AND/OR DILATED CARDIOMYOPATHY; VENTRICULAR TACHYCARDIA, STRESS-INDUCED POLYMORPHIC 1. Identifiers: Orphanet 3286, MedGen C1631597, MONDO:0011484, OMIM 604772.

gnomAD v4.1: 1 of 1,613,962 alleles (0.000062%); no homozygotes.

Submission:

Labcorp Genetics (formerly Invitae), Labcorp
Classification: Uncertain significance for Catecholaminergic polymorphic ventricular tachycardia 1. Last evaluated: 2025-02-18. Review status: criteria provided, single submitter. Criteria: Invitae Variant Classification Sherloc (09022015). Collection method: clinical testing. Allele origin: germline.
Comment: This sequence change replaces glycine, which is neutral and non-polar, with alanine, which is neutral and non-polar, at codon 1082 of the RYR2 protein (p.Gly1082Ala). This variant is not present in population databases (gnomAD no frequency). This variant has not been reported in the literature in individuals affected with RYR2-related conditions. Invitae Evidence Modeling of protein sequence and biophysical properties (such as structural, functional, and spatial information, amino acid conservation, physicochemical variation, residue mobility, and thermodynamic stability) indicates that this missense variant is not expected to disrupt RYR2 protein function with a negative predictive value of 95%. In summary, the available evidence is currently insufficient to determine the role of this variant in disease. Therefore, it has been classified as a Variant of Uncertain Significance.